The following is an entry in ClinVar:

ClinVar aggregate classification (germline): Uncertain significance (1 of 4 stars; one submission).

Conditions:
Developmental and epileptic encephalopathy, 2 (DEE2). Also called: INFANTILE SPASM SYNDROME, X-LINKED 2; CDKL5 deficiency disorder. Identifiers: Orphanet 1934, Orphanet 3451, Orphanet 505652, MedGen C4750718, MONDO:0010396, OMIM 300672.

Submission:

3billion
Classification: Uncertain significance for Developmental and epileptic encephalopathy, 2. Last evaluated: 2022-01-03. Review status: criteria provided, single submitter. Criteria: ACMG Guidelines, 2015. Collection method: clinical testing. Allele origin: germline. Affected: yes. Observed: 1 heterozygote.
Comment: The variant is not observed in the gnomAD v2.1.1 dataset (PM2_M). In silico tool predictions suggest damaging effect of the variant on gene or gene product (REVEL: 0.786, PP3_P). Therefore, this variant is classified as uncertain significance according to the recommendation of ACMG/AMP guideline.

NM_001323289.2(CDKL5):c.236T>C (p.Phe79Ser)

Gene: CDKL5 (cyclin dependent kinase like 5; plus strand). Cytogenetic location: Xp22.13.
Variant type: single nucleotide variant.
Coding change: c.236T>C on transcript NM_001323289.2 (MANE Select); coding-DNA position 236, T replaced by C.
Protein change: p.Phe79Ser; replaces phenylalanine 79 with serine.
Molecular consequence: missense variant.
Genome position (GRCh38, 1-based): chrX:18,575,444, T>C. VCF-style: chrX-18575444-T-C. GRCh37 (hg19) VCF-style: chrX-18593564-T-C.
Other names: c.236T>C, p.Phe79Ser (NM_001037343.2, NM_003159.3); short protein forms F79S.
Identifiers: ClinVar variation 1333675 (VCV001333675.1), dbSNP rs2147139630, ClinGen allele CA412348724.